The following is an entry in ClinVar:

ClinVar aggregate classification (germline): Uncertain significance (1 of 4 stars; one submission).

Conditions:
Oxoglutaricaciduria. Identifiers: Orphanet 31, MedGen C2752074, MONDO:0008759, OMIM 203740.

Allele frequency attached by ClinVar (database versions not stated): TOPMed 0.00005; gnomAD exomes 0.00011 and 0.00025; ExAC 0.00021; gnomAD 0.00027 and 0.00028.
gnomAD v4.1: 206 of 1,613,900 alleles (0.013%); highest among the groups gnomAD compares: Non-Finnish European, 0.0063%; no homozygotes.

Submission:

Labcorp Genetics (formerly Invitae), Labcorp
Classification: Uncertain significance for Oxoglutaricaciduria. Last evaluated: 2022-07-19. Review status: criteria provided, single submitter. Criteria: Invitae Variant Classification Sherloc (09022015). Collection method: clinical testing. Allele origin: germline.
Comment: This sequence change replaces threonine, which is neutral and polar, with alanine, which is neutral and non-polar, at codon 169 of the OGDH protein (p.Thr169Ala). This variant is present in population databases (rs200229019, gnomAD 0.2%), and has an allele count higher than expected for a pathogenic variant. This variant has not been reported in the literature in individuals affected with OGDH-related conditions. ClinVar contains an entry for this variant (Variation ID: 1447719). Algorithms developed to predict the effect of missense changes on protein structure and function (SIFT, PolyPhen-2, Align-GVGD) all suggest that this variant is likely to be tolerated. In summary, the available evidence is currently insufficient to determine the role of this variant in disease. Therefore, it has been classified as a Variant of Uncertain Significance.

NM_002541.4(OGDH):c.505A>G (p.Thr169Ala)

Gene: OGDH (oxoglutarate dehydrogenase; plus strand). Cytogenetic location: 7p13.
Variant type: single nucleotide variant.
Coding change: c.505A>G on transcript NM_002541.4 (MANE Select); coding-DNA position 505, A replaced by G.
Protein change: p.Thr169Ala; replaces threonine 169 with alanine.
Molecular consequence: missense variant. On other transcripts: intron variant (2).
Genome position (GRCh38, 1-based): chr7:44,647,747, A>G. VCF-style: chr7-44647747-A-G. GRCh37 (hg19) VCF-style: chr7-44687346-A-G.
Other names: c.505A>G, p.Thr169Ala (NM_001003941.3); c.505+213A>G (NM_001363523.2, NM_001165036.2); short protein forms T169A.
Identifiers: ClinVar variation 1447719 (VCV001447719.5), dbSNP rs200229019, ClinGen allele CA4243579.